The following is an entry in ClinVar:

ClinVar aggregate classification (germline): Pathogenic/Likely pathogenic. Review status: criteria provided, multiple submitters, no conflicts (2 of 4 stars). 3 submissions from 3 submitters: Pathogenic (1); Likely pathogenic (2). Last evaluated 2026-09-08.

Conditions:
Cardiovascular phenotype. Identifiers: MedGen CN230736.
Fabry disease. Also called: Fabry's disease; ALPHA-GALACTOSIDASE A DEFICIENCY; ANDERSON-FABRY DISEASE; CERAMIDE TRIHEXOSIDASE DEFICIENCY; GLA DEFICIENCY; HEREDITARY DYSTOPIC LIPIDOSIS. Identifiers: Orphanet 324, MedGen C0002986, MONDO:0010526, OMIM 301500, HP:0001071. Disease mechanism: Fabry disease is due to inactivating mutations in the X-linked GLA gene resulting in deficiency of the enzyme Alpha Galactosidase-A., loss of function.

Submissions (3):

Genomenon, Inc
Classification: Pathogenic for Fabry disease. Last evaluated: 2026-09-08. Review status: criteria provided, single submitter. Criteria: Genomenon Sequence Variant Interpretation Standards - Updated. Collection method: curation. Allele origin: germline. Affected: yes.
Comment: GLA p.Gly171Asp (c.512G>A) is a missense variant that changes the amino acid at codon 171 from Glycine to Aspartic acid. This variant has been observed in at least one proband with clinical features consistent with Fabry disease (PMID:25896551;27657681;16595074). At least one functional study has demonstrated a substantial alteration in protein function relative to the wild-type (PMID:21598360;27657681). This variant is located in a mutational hotspot and/or important functional domain. It is absent or not present at a significant frequency in gnomAD. In silico models predict that this variant is possibly or probably damaging. In conclusion, we classify GLA p.Gly171Asp (c.512G>A) as a pathogenic variant.

Foundation for Research in Genetics and Endocrinology, FRIGE's Institute of Human Genetics
Classification: Likely pathogenic for Fabry disease. Last evaluated: 2023-10-20. Review status: criteria provided, single submitter. Criteria: ACMG Guidelines, 2015. Collection method: clinical testing. Allele origin: germline. Inheritance: X-linked recessive inheritance. Affected: yes. Observed: 1 hemizygote.
Comment: Hemizygous status for variant c.512G>A (p.Gly171Asp) in exon 3 of the GLA gene. This variant has not been reported in the 1000 genomes and gnomAD databases. The in-silico prediction of the variant is deleterious by SIFT, Mutation Taster, FATHMM and DANN. The reference codon is conserved across species. In summary, the variant meets our criteria to be classified as likely pathogenic.

Ambry Genetics
Classification: Likely pathogenic for Cardiovascular phenotype. Last evaluated: 2017-02-15. Review status: criteria provided, single submitter. Criteria: Ambry Variant Classification Scheme 2023. Collection method: clinical testing. Allele origin: germline.
Comment: The p.G171D variant (also known as c.512G>A), located in coding exon 3 of the GLA gene, results from a G to A substitution at nucleotide position 512. The glycine at codon 171 is replaced by aspartic acid, an amino acid with similar properties. This alteration has been reported in affected males with Fabry disease (Shabbeer J et al. Hum. Mutat., 2005 Mar;25:299-305; Wu X et al. Hum. Mutat., 2011 Aug;32:965-77; Maione L et al. Endocrine, 2015 Nov;50:483-8; Benjamin ER et al. J. Inherit. Metab. Dis., 2009 Jun;32:424-40). In functional in vitro studies, this alteration has demonstrated no alpha-galactosidase A enzyme activity (Wu X et al. Hum. Mutat., 2011 Aug;32:965-77; Benjamin ER et al. J. Inherit. Metab. Dis., 2009 Jun;32:424-40). This amino acid position is highly conserved in available vertebrate species. In addition, this alteration is predicted to be deleterious by in silico analysis. Based on the majority of available evidence to date, this variant is likely to be pathogenic.

Literature cited by the submitters: PubMed 25896551 (cited by Genomenon, Inc and Ambry Genetics); PubMed 27657681 (cited by Genomenon, Inc); PubMed 16595074 (cited by Genomenon, Inc); PubMed 21598360 (cited by Genomenon, Inc and Ambry Genetics); PubMed 15712228 (cited by Ambry Genetics); PubMed 19387866 (cited by Ambry Genetics).

NM_000169.3(GLA):c.512G>A (p.Gly171Asp)

Genes: GLA (galactosidase alpha; minus strand), RPL36A-HNRNPH2 (RPL36A-HNRNPH2 readthrough; plus strand). Cytogenetic location: Xq22.1.
Variant type: single nucleotide variant.
Coding change: c.512G>A on transcript NM_000169.3 (MANE Select); coding-DNA position 512, G replaced by A.
Protein change: p.Gly171Asp; replaces glycine 171 with aspartic acid.
Molecular consequence: missense variant. On other transcripts: non-coding transcript variant (3), intron variant (2).
Genome position (GRCh38, 1-based): chrX:101,401,667, C>T on the plus strand (G>A on the coding strand, the complement: GLA is on the minus strand). VCF-style: chrX-101401667-C-T. GRCh37 (hg19) VCF-style: chrX-100656655-C-T.
Other names: p.Gly171Asp; c.635G>A, p.Gly212Asp (NM_001406747.1, NM_001406749.1); c.512G>A, p.Gly171Asp (NM_001406748.1); c.300+6210C>T (NM_001199973.2); c.177+9845C>T (NM_001199974.2); short protein forms G212D, G171D.
Identifiers: ClinVar variation 1745537 (VCV001745537.5), dbSNP rs2520895216, ClinGen allele CA413928836.